The following is an entry in ClinVar:

NM_001457.4(FLNB):c.2324-3del

Gene: FLNB (filamin B; plus strand). Cytogenetic location: 3p14.3.
Variant type: Deletion.
Coding change: c.2324-3del on transcript NM_001457.4 (MANE Select); 3 bases into the intron before coding-DNA position 2324, one base deleted (C; older notation c.2324-3delC).
Molecular consequence: intron variant.
Genome position (GRCh38, 1-based): chr3:58,110,007, C deleted; the last of 2 consecutive C bases (chr3:58,110,006-58,110,007); deleting either gives the same sequence. VCF-style (leftmost placement, unchanged base first): chr3-58110005-TC-T. GRCh37 (hg19) VCF-style: chr3-58095732-TC-T.
Other names: c.2324-3del (NM_001164317.2, NM_001164318.2, NM_001164319.2).
Identifiers: ClinVar variation 2791756 (VCV002791756.3), dbSNP rs1225102409, ClinGen allele CA543532184.

ClinVar aggregate classification (germline): Uncertain significance (1 of 4 stars; one submission).

Submission:

Labcorp Genetics (formerly Invitae), Labcorp
Classification: Uncertain significance. Last evaluated: 2023-09-10. Review status: criteria provided, single submitter. Criteria: Invitae Variant Classification Sherloc (09022015). Collection method: clinical testing. Allele origin: germline.
Comment: This sequence change falls in intron 15 of the FLNB gene. It does not directly change the encoded amino acid sequence of the FLNB protein. This variant is present in population databases (no rsID available, gnomAD 0.003%). In summary, the available evidence is currently insufficient to determine the role of this variant in disease. Therefore, it has been classified as a Variant of Uncertain Significance. Algorithms developed to predict the effect of sequence changes on RNA splicing suggest that this variant may create or strengthen a splice site. This variant has not been reported in the literature in individuals affected with FLNB-related conditions.